The following is an entry in ClinVar:

ClinVar aggregate classification (germline): Uncertain significance. Review status: criteria provided, multiple submitters, no conflicts (2 of 4 stars). 2 submissions from 2 submitters: Uncertain significance (2). Last evaluated 2025-08-19.

Conditions:
Inborn genetic diseases. Identifiers: MedGen C0950123, MeSH D030342.
FRAS1-related disorder. Also called: FRAS1-related condition.

Allele frequency attached by ClinVar (database versions not stated): gnomAD exomes 0.00001; TOPMed 0.00003; ExAC 0.00005.
gnomAD v4.1: 8 of 1,613,662 alleles (0.0005%); highest among the groups gnomAD compares: Admixed American, 0.013%; no homozygotes.

Submissions (2):

Ambry Genetics
Classification: Uncertain significance for Inborn genetic diseases. Last evaluated: 2025-08-19. Review status: criteria provided, single submitter. Criteria: Ambry Variant Classification Scheme 2023. Collection method: clinical testing. Allele origin: germline.

PreventionGenetics, part of Exact Sciences
Classification: Uncertain significance for FRAS1-related condition. Last evaluated: 2023-04-05. Review status: criteria provided, single submitter. Criteria: ACMG Guidelines, 2015. Collection method: clinical testing. Allele origin: germline.
Comment: The FRAS1 c.6293C>G variant is predicted to result in the amino acid substitution p.Thr2098Arg. To our knowledge, this variant has not been reported in the literature. This variant is reported in 0.023% of alleles in individuals of Latino descent in gnomAD. At this time, the clinical significance of this variant is uncertain due to the absence of conclusive functional and genetic evidence.

NM_025074.7(FRAS1):c.6293C>G (p.Thr2098Arg)

Gene: FRAS1 (Fraser extracellular matrix complex subunit 1; plus strand). Cytogenetic location: 4q21.21.
Variant type: single nucleotide variant.
Coding change: c.6293C>G on transcript NM_025074.7 (MANE Select); coding-DNA position 6293, C replaced by G.
Protein change: p.Thr2098Arg; replaces threonine 2098 with arginine.
Molecular consequence: missense variant.
Genome position (GRCh38, 1-based): chr4:78,450,169, C>G. VCF-style: chr4-78450169-C-G. GRCh37 (hg19) VCF-style: chr4-79371323-C-G.
Other names: short protein forms T2098R.
Identifiers: ClinVar variation 2634066 (VCV002634066.2), dbSNP rs762110434, ClinGen allele CA2977746.